The following is an entry in ClinVar:

NM_001972.4(ELANE):c.257C>T (p.Ala86Val)

Gene: ELANE (elastase, neutrophil expressed; plus strand). Cytogenetic location: 19p13.3.
Variant type: single nucleotide variant.
Coding change: c.257C>T on transcript NM_001972.4 (MANE Select); coding-DNA position 257, C replaced by T.
Protein change: p.Ala86Val; replaces alanine 86 with valine.
Molecular consequence: missense variant.
Genome position (GRCh38, 1-based): chr19:853,294, C>T. VCF-style: chr19-853294-C-T. GRCh37 (hg19) VCF-style: chr19-853294-C-T.
Other names: short protein forms A86V.
Identifiers: ClinVar variation 3507775 (VCV003507775.2).
Genomic context (GRCh38, chr19:853,294, plus strand): 5'-CTGAGCCCCGCCTCTCCCTCCCCGGCAGAAACGTCCGCGCGGTGCGGGTGGTCCTGGGAG[C>T]CCATAACCTCTCGCGGCGGGAGCCCACCCGGCAGGTGTTCGCCGTGCAGCGCATCTTCGA-3'
Protein context (NP_001963.1, residues 76-96): NVRAVRVVLG[Ala86Val]HNLSRREPTR

ClinVar aggregate classification (germline): Uncertain significance (1 of 4 stars; one submission).

Conditions:
Inborn genetic diseases. Identifiers: MedGen C0950123, MeSH D030342.

gnomAD v4.1: 30 of 1,609,904 alleles (0.0019%); highest among the groups gnomAD compares: Non-Finnish European, 0.0025%; no homozygotes.

Submission:

Ambry Genetics
Classification: Uncertain significance for Inborn genetic diseases. Last evaluated: 2024-12-21. Review status: criteria provided, single submitter. Criteria: Ambry Variant Classification Scheme 2023. Collection method: clinical testing. Allele origin: germline.
Comment: The p.A86V variant (also known as c.257C>T), located in coding exon 3 of the ELANE gene, results from a C to T substitution at nucleotide position 257. The alanine at codon 86 is replaced by valine, an amino acid with similar properties. This amino acid position is conserved. In addition, the in silico prediction for this alteration is inconclusive. Based on the available evidence, the clinical significance of this variant remains unclear.